The following is an entry in ClinVar:

NM_000396.4(CTSK):c.473A>G (p.Lys158Arg)

Gene: CTSK (cathepsin K; minus strand). Cytogenetic location: 1q21.3.
Variant type: single nucleotide variant.
Coding change: c.473A>G on transcript NM_000396.4 (MANE Select); coding-DNA position 473, A replaced by G.
Protein change: p.Lys158Arg; replaces lysine 158 with arginine.
Molecular consequence: missense variant.
Genome position (GRCh38, 1-based): chr1:150,804,166, T>C on the plus strand (A>G on the coding strand, the complement: CTSK is on the minus strand). VCF-style: chr1-150804166-T-C. GRCh37 (hg19) VCF-style: chr1-150776642-T-C.
Other names: short protein forms K158R.
Identifiers: ClinVar variation 2417107 (VCV002417107.4), dbSNP rs587767484, ClinGen allele CA1080507.

ClinVar aggregate classification (germline): Uncertain significance (1 of 4 stars; one submission).

Allele frequency attached by ClinVar (database versions not stated): TOPMed 0.00001; ExAC 0.00002; gnomAD 0.00002; 1000 Genomes Project 30x 0.00016; 1000 Genomes Project 0.00020.

Submission:

Labcorp Genetics (formerly Invitae), Labcorp
Classification: Uncertain significance. Last evaluated: 2024-11-02. Review status: criteria provided, single submitter. Criteria: Invitae Variant Classification Sherloc (09022015). Collection method: clinical testing. Allele origin: germline.
Comment: This sequence change replaces lysine, which is basic and polar, with arginine, which is basic and polar, at codon 158 of the CTSK protein (p.Lys158Arg). This variant is present in population databases (rs587767484, gnomAD 0.01%). This variant has not been reported in the literature in individuals affected with CTSK-related conditions. ClinVar contains an entry for this variant (Variation ID: 2417107). Invitae Evidence Modeling of protein sequence and biophysical properties (such as structural, functional, and spatial information, amino acid conservation, physicochemical variation, residue mobility, and thermodynamic stability) indicates that this missense variant is not expected to disrupt CTSK protein function with a negative predictive value of 80%. In summary, the available evidence is currently insufficient to determine the role of this variant in disease. Therefore, it has been classified as a Variant of Uncertain Significance.